The following is an entry in ClinVar:

ClinVar aggregate classification (germline): Uncertain significance (1 of 4 stars; one submission).

Allele frequency attached by ClinVar (database versions not stated): gnomAD exomes below 0.00001; gnomAD 0.00001; TOPMed 0.00001.

Submission:

Labcorp Genetics (formerly Invitae), Labcorp
Classification: Uncertain significance. Last evaluated: 2022-03-26. Review status: criteria provided, single submitter. Criteria: Invitae Variant Classification Sherloc (09022015). Collection method: clinical testing. Allele origin: germline.
Comment: Algorithms developed to predict the effect of missense changes on protein structure and function (SIFT, PolyPhen-2, Align-GVGD) all suggest that this variant is likely to be tolerated. In summary, the available evidence is currently insufficient to determine the role of this variant in disease. Therefore, it has been classified as a Variant of Uncertain Significance. This variant has not been reported in the literature in individuals affected with SEMA4A-related conditions. This variant is not present in population databases (gnomAD no frequency). This sequence change replaces histidine, which is basic and polar, with asparagine, which is neutral and polar, at codon 261 of the SEMA4A protein (p.His261Asn).

NM_022367.4(SEMA4A):c.781C>A (p.His261Asn)

Gene: SEMA4A (semaphorin 4A; plus strand). Cytogenetic location: 1q22.
Variant type: single nucleotide variant.
Coding change: c.781C>A on transcript NM_022367.4 (MANE Select); coding-DNA position 781, C replaced by A.
Protein change: p.His261Asn; replaces histidine 261 with asparagine.
Molecular consequence: missense variant.
Genome position (GRCh38, 1-based): chr1:156,161,000, C>A. VCF-style: chr1-156161000-C-A. GRCh37 (hg19) VCF-style: chr1-156130791-C-A.
Other names: c.781C>A, p.His261Asn (NM_001193300.2, NM_001193301.2, NM_001370567.1); c.385C>A, p.His129Asn (NM_001193302.2); c.484C>A, p.His162Asn (NM_001370568.1); c.274C>A, p.His92Asn (NM_001370569.1, NM_001370571.1); short protein forms H261N, H92N, H162N, H129N.
Identifiers: ClinVar variation 2095697 (VCV002095697.4), dbSNP rs974422254, ClinGen allele CA31032528.